The following is an entry in ClinVar:

NM_030624.3(KLHL15):c.910C>A (p.Pro304Thr)

Gene: KLHL15 (kelch like family member 15; minus strand). Cytogenetic location: Xp22.11.
Variant type: single nucleotide variant.
Coding change: c.910C>A on transcript NM_030624.3 (MANE Select); coding-DNA position 910, C replaced by A.
Protein change: p.Pro304Thr; replaces proline 304 with threonine.
Molecular consequence: missense variant.
Genome position (GRCh38, 1-based): chrX:23,988,826, G>T on the plus strand (C>A on the coding strand, the complement: KLHL15 is on the minus strand). VCF-style: chrX-23988826-G-T. GRCh37 (hg19) VCF-style: chrX-24006943-G-T.
Other names: short protein forms P304T.
Identifiers: ClinVar variation 3360781 (VCV003360781.1).

ClinVar aggregate classification (germline): Uncertain significance (1 of 4 stars; one submission).

Submission:

GeneDx
Classification: Uncertain significance. Last evaluated: 2023-07-03. Review status: criteria provided, single submitter. Criteria: GeneDx Variant Classification Process June 2021. Collection method: clinical testing. Allele origin: germline. Affected: yes.
Comment: Not observed at significant frequency in large population cohorts (gnomAD); In silico analysis supports that this missense variant does not alter protein structure/function; Has not been previously published as pathogenic or benign to our knowledge